The following is an entry in ClinVar:

ClinVar aggregate classification (germline): Likely pathogenic (1 of 4 stars; one submission).

Conditions:
Tay-Sachs disease (TSD). Also called: Hexosaminidase A Deficiency; HEXA Disorders; GM2 gangliosidosis, type 1; Hexosaminidase alpha-subunit deficiency (variant B); Sphingolipidosis, Tay-Sachs; HEXA DEFICIENCY. Identifiers: Orphanet 845, MedGen C0039373, MONDO:0010100, OMIM 272800.

Submission:

Myriad Genetics, Inc.
Classification: Likely pathogenic for Tay-Sachs disease. Last evaluated: 2019-05-22. Review status: criteria provided, single submitter. Criteria: Myriad Women's Health Autosomal Recessive and X-Linked Classification Criteria (2019). Collection method: clinical testing. Allele origin: unknown.
Comment: NM_000520.4(HEXA):c.1118G>A(W373*) is expected to be pathogenic in the context of hexosaminidase A deficiency. This variant is predicted to lead to an abnormal or absent protein product due to the creation of a premature termination codon in HEXA, a gene where loss-of-function variants are known to be pathogenic. Please note: this variant was assessed in the context of healthy population screening.

NM_000520.6(HEXA):c.1118G>A (p.Trp373Ter)

Gene: HEXA (hexosaminidase subunit alpha; minus strand). Cytogenetic location: 15q23.
Variant type: single nucleotide variant.
Coding change: c.1118G>A on transcript NM_000520.6 (MANE Select); coding-DNA position 1118, G replaced by A.
Protein change: p.Trp373Ter; replaces tryptophan 373 with a stop codon.
Molecular consequence: nonsense.
Genome position (GRCh38, 1-based): chr15:72,347,714, C>T on the plus strand (G>A on the coding strand, the complement: HEXA is on the minus strand). VCF-style: chr15-72347714-C-T. GRCh37 (hg19) VCF-style: chr15-72640055-C-T.
Other names: c.1151G>A, p.Trp384Ter (NM_001318825.2); short protein forms W373*, W384*.
Identifiers: ClinVar variation 983877 (VCV000983877.3), dbSNP rs2088635583, ClinGen allele CA393061703.
Genomic context (GRCh38, chr15:72,347,714, plus strand): 5'-GGTGGCTTCTTCTCTTCTCTGCCCCGGCTCACCTTTACTTTATTATCAAACACCTCCTGC[C>T]ACACCACATAGCCCTTGCCATAAGAAGAGACGATGTCCAGCAGCCTGGAGAGGAGAGGAG-3'